The following is an entry in ClinVar:

ClinVar aggregate classification (germline): Benign. Review status: criteria provided, multiple submitters, no conflicts (2 of 4 stars). 6 submissions from 6 submitters: Benign (6). Last evaluated 2026-02-03.

Conditions:
Familial pulmonary capillary hemangiomatosis (PVOD2). Also called: Pulmonary venoocclusive disease 2, autosomal recessive; Pulmonary venoocclusive disease 2. Identifiers: Orphanet 199241, MedGen C0340848, MONDO:0009329, OMIM 234810.

Allele frequency attached by ClinVar (database versions not stated): 1000 Genomes Project 0.86821; 1000 Genomes Project 30x 0.86993; gnomAD exomes 0.91793 and 0.93542; ExAC 0.91888; TOPMed 0.91918; gnomAD 0.92116 and 0.92503; ESP Exome Variant Server 0.93858.

Submissions (6):

Labcorp Genetics (formerly Invitae), Labcorp
Classification: Benign. Last evaluated: 2026-02-03. Review status: criteria provided, single submitter. Criteria: Invitae Variant Classification Sherloc (09022015). Collection method: clinical testing. Allele origin: germline.

Blueprint Genetics
Classification: Benign. Last evaluated: 2024-11-27. Review status: criteria provided, single submitter. Criteria: ACMG Guidelines, 2015. Collection method: clinical testing. Allele origin: germline.

Genome-Nilou Lab
Classification: Benign for Familial pulmonary capillary hemangiomatosis. Last evaluated: 2021-07-30. Review status: criteria provided, single submitter. Criteria: ACMG Guidelines, 2015. Collection method: clinical testing. Allele origin: germline. Affected: no.

ARUP Laboratories, Molecular Genetics and Genomics, ARUP Laboratories
Classification: Benign for Familial pulmonary capillary hemangiomatosis. Last evaluated: 2021-02-05. Review status: criteria provided, single submitter. Criteria: ARUP Molecular Germline Variant Investigation Process 2021. Collection method: clinical testing. Allele origin: germline.

GeneDx
Classification: Benign. Last evaluated: 2016-10-05. Review status: criteria provided, single submitter. Criteria: GeneDx Variant Classification (06012015). Collection method: clinical testing. Allele origin: germline. Affected: yes.
Comment: This variant is considered likely benign or benign based on one or more of the following criteria: it is a conservative change, it occurs at a poorly conserved position in the protein, it is predicted to be benign by multiple in silico algorithms, and/or has population frequency not consistent with disease.

Breakthrough Genomics
Classification: Benign. Review status: criteria provided, single submitter. Criteria: ACMG Guidelines, 2015. Collection method: not provided. Allele origin: germline. Inheritance: Autosomal recessive inheritance. Affected: yes.

NM_001013703.4(EIF2AK4):c.4174-17G>T

Gene: EIF2AK4 (eukaryotic translation initiation factor 2 alpha kinase 4; plus strand). Cytogenetic location: 15q15.1.
Variant type: single nucleotide variant.
Coding change: c.4174-17G>T on transcript NM_001013703.4 (MANE Select); 17 bases into the intron before coding-DNA position 4174, G replaced by T.
Molecular consequence: intron variant.
Genome position (GRCh38, 1-based): chr15:40,020,882, G>T. VCF-style: chr15-40020882-G-T. GRCh37 (hg19) VCF-style: chr15-40313083-G-T.
Identifiers: ClinVar variation 381183 (VCV000381183.25), dbSNP rs12916520, ClinGen allele CA7474543.